The following is an entry in ClinVar:

NM_000193.4(SHH):c.214C>T (p.Arg72Ter)

Gene: SHH (sonic hedgehog signaling molecule; minus strand). Cytogenetic location: 7q36.3.
Variant type: single nucleotide variant.
Coding change: c.214C>T on transcript NM_000193.4 (MANE Select); coding-DNA position 214, C replaced by T.
Protein change: p.Arg72Ter; replaces arginine 72 with a stop codon.
Molecular consequence: nonsense.
Genome position (GRCh38, 1-based): chr7:155,811,909, G>A on the plus strand (C>T on the coding strand, the complement: SHH is on the minus strand). VCF-style: chr7-155811909-G-A. GRCh37 (hg19) VCF-style: chr7-155604603-G-A.
Other names: short protein forms R72*.
Identifiers: ClinVar variation 545582 (VCV000545582.2), dbSNP rs779093031, ClinGen allele CA370151461.

ClinVar aggregate classification (germline): Pathogenic. Review status: criteria provided, multiple submitters, no conflicts (2 of 4 stars). 2 submissions from 2 submitters: Pathogenic (2). Last evaluated 2025-04-17.

Conditions:
Developmental and epileptic encephalopathy, 11 (DEE11). Also called: Early infantile epileptic encephalopathy 11. Identifiers: Orphanet 1934, MedGen C3150987, MONDO:0013388, OMIM 613721.
Holoprosencephaly 3 (HPE3). Identifiers: Orphanet 2162, MedGen C1840529, MONDO:0007733, OMIM 142945.

Submissions (2):

Johns Hopkins Genomics, Johns Hopkins University
Classification: Pathogenic for Developmental and epileptic encephalopathy, 11. Last evaluated: 2025-04-17. Review status: criteria provided, single submitter. Criteria: ACMG Guidelines, 2015. Collection method: clinical testing. Allele origin: germline.
Comment: This SHH variant (rs779093031) is absent from a large population dataset and has been reported in ClinVar. This nonsense variant results in a premature termination codon (PTC) in exon 1 of 3 likely leading to nonsense-mediated decay and lack of protein production. Nonsense variants downstream of this variant have also been reported. We consider c.214C>T to be pathogenic for autosomal dominant solitary median maxillary central incisor (SMMCI) syndrome.

Muenke lab, National Institutes of Health
Classification: Pathogenic for Holoprosencephaly 3. Last evaluated: 2017-08-18. Review status: criteria provided, single submitter. Criteria: ACMG Guidelines, 2015. Collection method: clinical testing. Allele origin: de novo. Inheritance: Sporadic. Affected: yes.

Literature cited by the submitters: PubMed 11471164 (cited by Johns Hopkins Genomics, Johns Hopkins University); PubMed 12567406 (cited by Johns Hopkins Genomics, Johns Hopkins University); PubMed 24764759 (cited by Johns Hopkins Genomics, Johns Hopkins University); PubMed 8896572 (cited by Johns Hopkins Genomics, Johns Hopkins University).